The following is an entry in ClinVar:

NM_004944.4(DNASE1L3):c.522C>A (p.Asp174Glu)

Gene: DNASE1L3 (deoxyribonuclease 1L3; minus strand). Cytogenetic location: 3p14.3.
Variant type: single nucleotide variant.
Coding change: c.522C>A on transcript NM_004944.4 (MANE Select); coding-DNA position 522, C replaced by A.
Protein change: p.Asp174Glu; replaces aspartic acid 174 with glutamic acid.
Molecular consequence: missense variant.
Genome position (GRCh38, 1-based): chr3:58,201,021, G>T on the plus strand (C>A on the coding strand, the complement: DNASE1L3 is on the minus strand). VCF-style: chr3-58201021-G-T. GRCh37 (hg19) VCF-style: chr3-58186748-G-T.
Other names: c.432C>A, p.Asp144Glu (NM_001256560.2); short protein forms D174E, D144E.
Identifiers: ClinVar variation 3589506 (VCV003589506.2).
Genomic context (GRCh38, chr3:58,201,021, plus strand): 5'-GCTAGATGGGAATTCGTCTGACACAGCAGTCCTCACCTCCGCCTTCCAGCGGTGTTTCAC[G>T]TCCGTGTAGACCTCAACCAACTCATCGATCTCCTTAACGGATGTCTCTGGGGTGGTGTGC-3'
Protein context (NP_004935.1, residues 164-184): EIDELVEVYT[Asp174Glu]VKHRWKAENF

ClinVar aggregate classification (germline): Uncertain significance. Review status: criteria provided, multiple submitters, no conflicts (2 of 4 stars). 2 submissions from 2 submitters: Uncertain significance (2). Last evaluated 2024-08-09.

Conditions:
Autosomal systemic lupus erythematosus type 16. Also called: Systemic lupus erythematosus 16. Identifiers: Orphanet 300345, MedGen C3280742, MONDO:0013743, OMIM 614420.

gnomAD v4.1: 7 of 1,612,234 alleles (0.00043%); highest among the groups gnomAD compares: East Asian, 0.013%; no homozygotes.

Submissions (2):

Laboratorio de Genetica e Diagnostico Molecular, Hospital Israelita Albert Einstein
Classification: Uncertain significance for Autosomal systemic lupus erythematosus type 16. Last evaluated: 2024-08-09. Review status: criteria provided, single submitter. Criteria: ACMG Guidelines, 2015. Collection method: clinical testing. Allele origin: germline. Affected: yes.
Comment: ACMG classification criteria: PM2 supporting, PM3 supporting, BP4 supporting

Fulgent Genetics
Classification: Uncertain significance for Autosomal systemic lupus erythematosus type 16. Last evaluated: 2024-03-13. Review status: criteria provided, single submitter. Criteria: ACMG Guidelines, 2015. Collection method: clinical testing. Allele origin: germline.